The following is an entry in ClinVar:

NM_019109.5(ALG1):c.377A>G (p.Tyr126Cys)

Gene: ALG1 (ALG1 chitobiosyldiphosphodolichol beta-mannosyltransferase; plus strand). Cytogenetic location: 16p13.3.
Variant type: single nucleotide variant.
Coding change: c.377A>G on transcript NM_019109.5 (MANE Select); coding-DNA position 377, A replaced by G.
Protein change: p.Tyr126Cys; replaces tyrosine 126 with cysteine.
Molecular consequence: missense variant.
Genome position (GRCh38, 1-based): chr16:5,073,243, A>G. VCF-style: chr16-5073243-A-G. GRCh37 (hg19) VCF-style: chr16-5123244-A-G.
Other names: c.44A>G, p.Tyr15Cys (NM_001330504.2); short protein forms Y126C, Y15C.
Identifiers: ClinVar variation 1397650 (VCV001397650.7), dbSNP rs200094659, ClinGen allele CA277196744.
Genomic context (GRCh38, chr16:5,073,243, plus strand): 5'-AAGTTGTACTTCAGGCTATGTACTTGCTGTGGAAGTTGATGTGGAGGGAGCCAGGTGCCT[A>G]TATCTTTCTCCAGGTGTGTATCAGCCTCTGCCTCCCTCTGTGAGAGCCATGTTAGCAGTT-3'
Protein context (NP_061982.3, residues 116-136): WKLMWREPGA[Tyr126Cys]IFLQNPPGLP

ClinVar aggregate classification (germline): Uncertain significance. Review status: criteria provided, multiple submitters, no conflicts (2 of 4 stars). 2 submissions from 2 submitters: Uncertain significance (2). Last evaluated 2022-05-26.

Conditions:
ALG1-congenital disorder of glycosylation. Also called: CONGENITAL DISORDER OF GLYCOSYLATION, TYPE Ik; CDG Ik; ALG1-CDG. Identifiers: Orphanet 79327, MedGen C2931005, MONDO:0012052, OMIM 608540.

Allele frequency attached by ClinVar (database versions not stated): gnomAD exomes 0.00001 and below 0.00001; TOPMed 0.00003; gnomAD 0.00001.
gnomAD v4.1: 21 of 1,613,940 alleles (0.0013%); highest among the groups gnomAD compares: East Asian, 0.0022%; no homozygotes.

Submissions (2):

Labcorp Genetics (formerly Invitae), Labcorp
Classification: Uncertain significance for ALG1-congenital disorder of glycosylation. Last evaluated: 2022-05-26. Review status: criteria provided, single submitter. Criteria: Invitae Variant Classification Sherloc (09022015). Collection method: clinical testing. Allele origin: germline.
Comment: This sequence change replaces tyrosine, which is neutral and polar, with cysteine, which is neutral and slightly polar, at codon 126 of the ALG1 protein (p.Tyr126Cys). This variant is present in population databases (rs200094659, gnomAD 0.002%). This variant has not been reported in the literature in individuals affected with ALG1-related conditions. Advanced modeling of protein sequence and biophysical properties (such as structural, functional, and spatial information, amino acid conservation, physicochemical variation, residue mobility, and thermodynamic stability) performed at Invitae indicates that this missense variant is expected to disrupt ALG1 protein function. In summary, the available evidence is currently insufficient to determine the role of this variant in disease. Therefore, it has been classified as a Variant of Uncertain Significance.

Juno Genomics, Hangzhou Juno Genomics, Inc
Classification: Uncertain significance for ALG1-congenital disorder of glycosylation. Review status: criteria provided, single submitter. Criteria: ACMG Guidelines, 2015. Collection method: clinical testing. Allele origin: germline.
Comment: Absent from controls (or at extremely low frequency if recessive) in Genome Aggregation Database.;Multiple lines of computational evidence support a deleterious effect on the gene or gene product.